The following is an entry in ClinVar:

ClinVar aggregate classification (germline): Uncertain significance. Review status: criteria provided, multiple submitters, no conflicts (2 of 4 stars). 3 submissions from 3 submitters: Uncertain significance (3). Last evaluated 2024-08-05.

Conditions:
Charcot-Marie-Tooth disease type 4B3. Also called: Charcot-Marie-Tooth Neuropathy Type 4B3; CHARCOT-MARIE-TOOTH DISEASE, DEMYELINATING, TYPE 4B3. Identifiers: Orphanet 363981, MedGen C3695063, MONDO:0014117, OMIM 615284.

Allele frequency attached by ClinVar (database versions not stated): TOPMed 0.00001; gnomAD 0.00002; ExAC 0.00003; gnomAD exomes 0.00005.

Submissions (3):

Ambry Genetics
Classification: Uncertain significance. Last evaluated: 2024-08-05. Review status: criteria provided, single submitter. Criteria: Ambry Variant Classification Scheme 2023. Collection method: clinical testing. Allele origin: germline.

Labcorp Genetics (formerly Invitae), Labcorp
Classification: Uncertain significance. Last evaluated: 2022-08-22. Review status: criteria provided, single submitter. Criteria: Invitae Variant Classification Sherloc (09022015). Collection method: clinical testing. Allele origin: germline.
Comment: This sequence change replaces arginine, which is basic and polar, with tryptophan, which is neutral and slightly polar, at codon 507 of the SBF1 protein (p.Arg507Trp). This variant is present in population databases (rs756061176, gnomAD 0.006%). This variant has not been reported in the literature in individuals affected with SBF1-related conditions. ClinVar contains an entry for this variant (Variation ID: 1433181). Algorithms developed to predict the effect of missense changes on protein structure and function are either unavailable or do not agree on the potential impact of this missense change (SIFT: "Deleterious"; PolyPhen-2: "Possibly Damaging"; Align-GVGD: "Class C0"). In summary, the available evidence is currently insufficient to determine the role of this variant in disease. Therefore, it has been classified as a Variant of Uncertain Significance.

Fulgent Genetics
Classification: Uncertain significance for Charcot-Marie-Tooth disease type 4B3. Last evaluated: 2021-09-20. Review status: criteria provided, single submitter. Criteria: ACMG Guidelines, 2015. Collection method: clinical testing. Allele origin: unknown.

NM_002972.4(SBF1):c.1519C>T (p.Arg507Trp)

Gene: SBF1 (SET binding factor 1; minus strand). Cytogenetic location: 22q13.33.
Variant type: single nucleotide variant.
Coding change: c.1519C>T on transcript NM_002972.4 (MANE Select); coding-DNA position 1519, C replaced by T.
Protein change: p.Arg507Trp; replaces arginine 507 with tryptophan.
Molecular consequence: missense variant.
Genome position (GRCh38, 1-based): chr22:50,464,651, G>A on the plus strand (C>T on the coding strand, the complement: SBF1 is on the minus strand). VCF-style: chr22-50464651-G-A. GRCh37 (hg19) VCF-style: chr22-50903080-G-A.
Other names: c.1522C>T, p.Arg508Trp (NM_001365819.1); c.1519C>T (NM_002972.2); short protein forms R507W, R508W.
Identifiers: ClinVar variation 1433181 (VCV001433181.5), dbSNP rs756061176, ClinGen allele CA10317620.